The following is an entry in ClinVar:

NM_000368.5(TSC1):c.2239dup (p.Ile747fs)

Gene: TSC1 (TSC complex subunit 1; minus strand). Cytogenetic location: 9q34.13.
Variant type: Duplication.
Coding change: c.2239dup on transcript NM_000368.5 (MANE Select); coding-DNA position 2239, one base duplicated (A; older notation c.2239dupA).
Protein change: p.Ile747fs; shifts the reading frame from isoleucine 747.
Molecular consequence: frameshift variant.
Genome position (GRCh38, 1-based): chr9:132,902,757, T duplicated on the plus strand (A on the coding strand, the reverse complement: TSC1 is on the minus strand). VCF-style (leftmost placement, unchanged base first): chr9-132902756-A-AT. GRCh37 (hg19) VCF-style: chr9-135778143-A-AT.
Other names: c.2236dup, p.Ile746fs (NM_001162426.2); c.2086dup, p.Ile696fs (NM_001162427.2); c.1876dup, p.Ile626fs (NM_001362177.2); c.2239dup, p.Ile747Asnfs (NM_001406592.1, NM_001406593.1, NM_001406594.1 and 5 more transcripts); c.2236dup, p.Ile746Asnfs (NM_001406597.1, NM_001406598.1, NM_001406599.1 and 3 more transcripts); c.2224dup, p.Ile742Asnfs (NM_001406601.1, NM_001406602.1); c.2221dup, p.Ile741Asnfs (NM_001406603.1, NM_001406604.1); c.2086dup, p.Ile696Asnfs (NM_001406610.1); and 6 more; short protein forms I747fs, I696fs, I626fs, I746fs.
Identifiers: ClinVar variation 2012515 (VCV002012515.4), dbSNP rs2538624115, ClinGen allele CA2580080149.

ClinVar aggregate classification (germline): Pathogenic (1 of 4 stars; one submission).

Conditions:
Tuberous sclerosis 1 (TSC1). Identifiers: Orphanet 805, MedGen C1854465, MONDO:0008612, OMIM 191100.

Submission:

Labcorp Genetics (formerly Invitae), Labcorp
Classification: Pathogenic for Tuberous sclerosis 1. Last evaluated: 2022-06-30. Review status: criteria provided, single submitter. Criteria: Invitae Variant Classification Sherloc (09022015). Collection method: clinical testing. Allele origin: germline.
Comment: For these reasons, this variant has been classified as Pathogenic. This variant has not been reported in the literature in individuals affected with TSC1-related conditions. This variant is not present in population databases (gnomAD no frequency). This sequence change creates a premature translational stop signal (p.Ile747Asnfs*7) in the TSC1 gene. It is expected to result in an absent or disrupted protein product. Loss-of-function variants in TSC1 are known to be pathogenic (PMID: 10227394, 17304050).

Literature cited by the submitters: PubMed 10227394; PubMed 17304050.